The following is an entry in ClinVar:

NM_000206.3(IL2RG):c.667G>A (p.Val223Ile)

Gene: IL2RG (interleukin 2 receptor subunit gamma; minus strand). Cytogenetic location: Xq13.1.
Variant type: single nucleotide variant.
Coding change: c.667G>A on transcript NM_000206.3 (MANE Select); coding-DNA position 667, G replaced by A.
Protein change: p.Val223Ile; replaces valine 223 with isoleucine.
Molecular consequence: missense variant.
Genome position (GRCh38, 1-based): chrX:71,109,318, C>T on the plus strand (G>A on the coding strand, the complement: IL2RG is on the minus strand). VCF-style: chrX-71109318-C-T. GRCh37 (hg19) VCF-style: chrX-70329168-C-T.
Other names: short protein forms V223I.
Identifiers: ClinVar variation 1945719 (VCV001945719.5), dbSNP rs2092258151, ClinGen allele CA413496009.

ClinVar aggregate classification (germline): Uncertain significance (1 of 4 stars; one submission).

Conditions:
X-linked severe combined immunodeficiency (SCIDX1). Also called: IMMUNODEFICIENCY 4; SCID, X-LINKED; SEVERE COMBINED IMMUNODEFICIENCY, X-LINKED, T CELL-NEGATIVE, B CELL-POSITIVE, NK CELL-NEGATIVE; T-B+ severe combined immunodeficiency due to gamma chain deficiency; X-Linked Combined Immunodeficiency Diseases. Identifiers: Orphanet 276, MedGen C6022468, MONDO:0010315, OMIM 300400. Disease mechanism: loss of function.

Allele frequency attached by ClinVar (database versions not stated): TOPMed below 0.00001.

Submission:

Labcorp Genetics (formerly Invitae), Labcorp
Classification: Uncertain significance for X-linked severe combined immunodeficiency. Last evaluated: 2024-04-22. Review status: criteria provided, single submitter. Criteria: Invitae Variant Classification Sherloc (09022015). Collection method: clinical testing. Allele origin: germline.
Comment: This sequence change replaces valine, which is neutral and non-polar, with isoleucine, which is neutral and non-polar, at codon 223 of the IL2RG protein (p.Val223Ile). This variant is not present in population databases (gnomAD no frequency). This variant has not been reported in the literature in individuals affected with IL2RG-related conditions. ClinVar contains an entry for this variant (Variation ID: 1945719). Advanced modeling of protein sequence and biophysical properties (such as structural, functional, and spatial information, amino acid conservation, physicochemical variation, residue mobility, and thermodynamic stability) performed at Invitae indicates that this missense variant is not expected to disrupt IL2RG protein function with a negative predictive value of 80%. In summary, the available evidence is currently insufficient to determine the role of this variant in disease. Therefore, it has been classified as a Variant of Uncertain Significance.